The following is an entry in ClinVar:

NM_000593.6(TAP1):c.1873A>G (p.Ile625Val)

Gene: TAP1 (transporter 1, ATP binding cassette subfamily B member; minus strand). Cytogenetic location: 6p21.32.
Variant type: single nucleotide variant.
Coding change: c.1873A>G on transcript NM_000593.6 (MANE Select); coding-DNA position 1873, A replaced by G.
Protein change: p.Ile625Val; replaces isoleucine 625 with valine.
Molecular consequence: missense variant.
Genome position (GRCh38, 1-based): chr6:32,847,543, T>C on the plus strand (A>G on the coding strand, the complement: TAP1 is on the minus strand). VCF-style: chr6-32847543-T-C. GRCh37 (hg19) VCF-style: chr6-32815320-T-C.
Other names: c.1270A>G, p.Ile424Val (NM_001292022.2); short protein forms I625V, I424V.
Identifiers: ClinVar variation 4723488 (VCV004723488.1).

ClinVar aggregate classification (germline): Uncertain significance (1 of 4 stars; one submission).

Conditions:
MHC class I deficiency. Identifiers: Orphanet 34592, MedGen C6024714, MONDO:0011476.

Submission:

Labcorp Genetics (formerly Invitae), Labcorp
Classification: Uncertain significance for MHC class I deficiency 1. Last evaluated: 2025-07-20. Review status: criteria provided, single submitter. Criteria: Invitae Variant Classification Sherloc (09022015). Collection method: clinical testing. Allele origin: germline.
Comment: This sequence change replaces isoleucine, which is neutral and non-polar, with valine, which is neutral and non-polar, at codon 685 of the TAP1 protein (p.Ile685Val). This variant is not present in population databases (gnomAD no frequency). This variant has not been reported in the literature in individuals affected with TAP1-related conditions. An algorithm developed to predict the effect of missense changes on protein structure and function (PolyPhen-2) suggests that this variant is likely to be disruptive. In summary, the available evidence is currently insufficient to determine the role of this variant in disease. Therefore, it has been classified as a Variant of Uncertain Significance.